The following is an entry in ClinVar:

NM_002691.4(POLD1):c.2251-1G>C

Gene: POLD1 (DNA polymerase delta 1, catalytic subunit; plus strand). Cytogenetic location: 19q13.33.
Variant type: single nucleotide variant.
Coding change: c.2251-1G>C on transcript NM_002691.4 (MANE Select); the canonical splice acceptor site of the intron before coding-DNA position 2251, G replaced by C.
Molecular consequence: splice acceptor variant.
Genome position (GRCh38, 1-based): chr19:50,413,741, G>C. VCF-style: chr19-50413741-G-C. GRCh37 (hg19) VCF-style: chr19-50916998-G-C.
Other names: c.2251-1G>C (NM_001256849.1); c.2329-1G>C (NM_001308632.1).
Identifiers: ClinVar variation 407975 (VCV000407975.15), dbSNP rs1060501808, ClinGen allele CA16616390.
Genomic context (GRCh38, chr19:50,413,741, plus strand): 5'-ACACCAGTAGTTGACAGAAGGGACCCTGCTTCTCACATACACACATCCCCACCGCCCGCA[G>C]GTGGTGTATGGTGACACTGACTCCGTCATGTGCCGATTCGGCGTGTCCTCGGTGGCTGAG-3'

ClinVar aggregate classification (germline): Uncertain significance. Review status: criteria provided, multiple submitters, no conflicts (2 of 4 stars). 4 submissions from 4 submitters: Uncertain significance (4). Last evaluated 2025-08-05.

Conditions:
Hereditary cancer-predisposing syndrome. Also called: Neoplastic Syndromes, Hereditary; Hereditary neoplastic syndrome; Hereditary Cancer Syndrome; Tumor predisposition. Identifiers: Orphanet 140162, MedGen C0027672, MeSH D009386, MONDO:0015356.
POLD1-related polyposis and colorectal cancer syndrome (CRCS10). Also called: Colorectal cancer, susceptibility to, 10; Colorectal cancer 10; COLORECTAL CANCER, SUSCEPTIBILITY TO, ON CHROMOSOME 19q. Identifiers: Orphanet 220460, MedGen C2675481, MONDO:0012953, OMIM 612591.

Allele frequency attached by ClinVar (database versions not stated): gnomAD exomes below 0.00001 and 0.00008; TOPMed below 0.00001; gnomAD 0.00001.
gnomAD v4.1: 111 of 1,599,480 alleles (0.0069%); highest among the groups gnomAD compares: Non-Finnish European, 0.0093%; no homozygotes.

Submissions (4):

Ambry Genetics
Classification: Uncertain significance for Hereditary cancer-predisposing syndrome. Last evaluated: 2025-08-05. Review status: criteria provided, single submitter. Criteria: Ambry Variant Classification Scheme 2023. Collection method: clinical testing. Allele origin: germline.
Comment: The c.2251-1G>C intronic variant results from a G to C substitution one nucleotide upstream from coding exon 18 of the POLD1 gene. This nucleotide position is highly conserved in available vertebrate species. In silico splice site analysis predicts that this alteration will weaken the native splice acceptor site and may result in the creation or strengthening of a novel splice acceptor site. Alterations that disrupt the canonical splice site are expected to cause aberrant splicing, resulting in an abnormal protein or a transcript that is subject to nonsense-mediated mRNA decay. However, loss of function of POLD1 has not been established as a mechanism of disease. Based on the available evidence, the clinical significance of this alteration remains unclear.

Labcorp Genetics (formerly Invitae), Labcorp
Classification: Uncertain significance for POLD1-related polyposis and colorectal cancer syndrome. Last evaluated: 2024-10-10. Review status: criteria provided, single submitter. Criteria: Invitae Variant Classification Sherloc (09022015). Collection method: clinical testing. Allele origin: germline.
Comment: This sequence change affects an acceptor splice site in intron 18 of the POLD1 gene. Missense variants that disrupt the 3'-5' exonuclease (proof-reading) activity of the POLD1 protein are associated with PPAP (polymerase proofreading‚Äìassociated polyposis) (PMID: 23263490, 23447401). However, loss-of-function variants that result in an absent or severely disrupted POLD1 protein, and missense variants outside the exonuclease domain, are unlikely to be associated with PPAP. This variant is present in population databases (no rsID available, gnomAD 0.0009%). This variant has not been reported in the literature in individuals affected with POLD1-related conditions. ClinVar contains an entry for this variant (Variation ID: 407975). Algorithms developed to predict the effect of sequence changes on RNA splicing suggest that this variant may disrupt the consensus splice site. In summary, the available evidence is currently insufficient to determine the role of this variant in disease. Therefore, it has been classified as a Variant of Uncertain Significance.

GeneDx
Classification: Uncertain significance. Last evaluated: 2024-02-05. Review status: criteria provided, single submitter. Criteria: GeneDx Variant Classification Process June 2021. Collection method: clinical testing. Allele origin: germline. Affected: yes.
Comment: Canonical splice site variant in a gene for which loss-of-function is not an established mechanism of disease; Not observed at significant frequency in large population cohorts (gnomAD); Has not been previously published as pathogenic or benign to our knowledge

Blueprint Genetics
Classification: Uncertain significance. Last evaluated: 2021-08-06. Review status: criteria provided, single submitter. Criteria: ACMG Guidelines, 2015. Collection method: clinical testing. Allele origin: germline.

Literature cited by the submitters: PubMed 23263490 (cited by Labcorp Genetics (formerly Invitae), Labcorp); PubMed 23447401 (cited by Labcorp Genetics (formerly Invitae), Labcorp).